The following is an entry in ClinVar:

NM_033118.4(MYLK2):c.1465G>A (p.Glu489Lys)

Gene: MYLK2 (myosin light chain kinase 2; plus strand). Cytogenetic location: 20q11.21.
Variant type: single nucleotide variant.
Coding change: c.1465G>A on transcript NM_033118.4 (MANE Select); coding-DNA position 1465, G replaced by A.
Protein change: p.Glu489Lys; replaces glutamic acid 489 with lysine.
Molecular consequence: missense variant.
Genome position (GRCh38, 1-based): chr20:31,831,743, G>A. VCF-style: chr20-31831743-G-A. GRCh37 (hg19) VCF-style: chr20-30419546-G-A.
Other names: short protein forms E489K.
Identifiers: ClinVar variation 1395583 (VCV001395583.6), dbSNP rs2123140758, ClinGen allele CA408527958.
Genomic context (GRCh38, chr20:31,831,743, plus strand): 5'-CTGCTATCCCCTCCCTCTAGGCTGAGCGGCCTCTCCCCCTTCCTGGGAGATGATGACACA[G>A]AGACCCTAAACAACGTTCTATCTGGCAACTGGTACTTTGATGAAGAGACCTTTGAGGCCG-3'
Protein context (NP_149109.1, residues 479-499): LSPFLGDDDT[Glu489Lys]TLNNVLSGNW

ClinVar aggregate classification (germline): Uncertain significance (1 of 4 stars; one submission).

Conditions:
Hypertrophic cardiomyopathy 1 (CMH1). Also called: MYH7-Related Familial Hypertrophic Cardiomyopathy; Familial hypertrophic cardiomyopathy 1. Identifiers: MedGen C3495498, MONDO:0008647, OMIM 192600.

Submission:

Labcorp Genetics (formerly Invitae), Labcorp
Classification: Uncertain significance for Hypertrophic cardiomyopathy 1. Last evaluated: 2021-09-18. Review status: criteria provided, single submitter. Criteria: Invitae Variant Classification Sherloc (09022015). Collection method: clinical testing. Allele origin: germline.
Comment: This variant has not been reported in the literature in individuals affected with MYLK2-related conditions. This variant is not present in population databases (ExAC no frequency). This sequence change replaces glutamic acid with lysine at codon 489 of the MYLK2 protein (p.Glu489Lys). The glutamic acid residue is highly conserved and there is a small physicochemical difference between glutamic acid and lysine. Algorithms developed to predict the effect of missense changes on protein structure and function are either unavailable or do not agree on the potential impact of this missense change (SIFT: "Tolerated"; PolyPhen-2: "Probably Damaging"; Align-GVGD: "Class C0"). In summary, the available evidence is currently insufficient to determine the role of this variant in disease. Therefore, it has been classified as a Variant of Uncertain Significance.